The following is an entry in ClinVar:

ClinVar aggregate classification (germline): Likely benign. Review status: criteria provided, multiple submitters, no conflicts (2 of 4 stars). 3 submissions from 3 submitters: Likely benign (3). Last evaluated 2026-03-01.

Conditions:
Acrocallosal syndrome (ACLS). Also called: Schinzel syndrome 1; Absence of corpus callosum with unusual facial appearance, mental deficiency, duplication of the halluces and polydactyly; HALLUX DUPLICATION, POSTAXIAL POLYDACTYLY, AND ABSENCE OF CORPUS CALLOSUM. Identifiers: Orphanet 36, MedGen C0796147, MONDO:0008708, OMIM 200990.

Allele frequency attached by ClinVar (database versions not stated): ExAC 0.00002; TOPMed 0.00002; gnomAD 0.00003.

Submissions (3):

CeGaT Center for Human Genetics Tuebingen
Classification: Likely benign. Last evaluated: 2026-03-01. Review status: criteria provided, single submitter. Criteria: CeGaT Center For Human Genetics Tuebingen Variant Classification Criteria Version 2. Collection method: clinical testing. Allele origin: germline. Affected: yes. Observed: 2 variant alleles.
Comment: KIF7: BP4, BP7

Labcorp Genetics (formerly Invitae), Labcorp
Classification: Likely benign for Acrocallosal syndrome. Last evaluated: 2024-10-03. Review status: criteria provided, single submitter. Criteria: Invitae Variant Classification Sherloc (09022015). Collection method: clinical testing. Allele origin: germline.

Blueprint Genetics
Classification: Likely benign. Last evaluated: 2019-10-04. Review status: criteria provided, single submitter. Criteria: ACMG Guidelines, 2015. Collection method: clinical testing. Allele origin: germline.

NM_198525.3(KIF7):c.3903C>G (p.Pro1301=)

Gene: KIF7 (kinesin family member 7; minus strand). Cytogenetic location: 15q26.1.
Variant type: single nucleotide variant.
Coding change: c.3903C>G on transcript NM_198525.3 (MANE Select); coding-DNA position 3903, C replaced by G.
Protein change: p.Pro1301=; no amino-acid change (proline 1301 retained).
Molecular consequence: synonymous variant.
Genome position (GRCh38, 1-based): chr15:89,628,548, G>C on the plus strand (C>G on the coding strand, the complement: KIF7 is on the minus strand). VCF-style: chr15-89628548-G-C. GRCh37 (hg19) VCF-style: chr15-90171779-G-C.
Identifiers: ClinVar variation 1625475 (VCV001625475.34), dbSNP rs749589340, ClinGen allele CA7727485.